The following is an entry in ClinVar:

ClinVar aggregate classification (germline): Uncertain significance. Review status: criteria provided, multiple submitters, no conflicts (2 of 4 stars). 3 submissions from 3 submitters: Uncertain significance (3). Last evaluated 2025-06-06.

Conditions:
Epidermolysis bullosa simplex with nail dystrophy (EBS5D). Identifiers: MedGen C4225309, MONDO:0014661, OMIM 616487.
Epidermolysis bullosa simplex 5B, with muscular dystrophy (EBS5B). Also called: EPIDERMOLYSIS BULLOSA SIMPLEX AND LIMB-GIRDLE MUSCULAR DYSTROPHY; Epidermolysis bullosa simplex with muscular dystrophy. Identifiers: Orphanet 257, MedGen C2931072, MONDO:0009181, OMIM 226670.
Epidermolysis bullosa simplex, Ogna type (EBS5A). Also called: Pidermolysis bullosa simplex 5A, Ogna type; EPIDERMOLYSIS BULLOSA SIMPLEX 5A, OGNA TYPE. Identifiers: Orphanet 79401, MedGen C0432317, MONDO:0007555, OMIM 131950.
Autosomal recessive limb-girdle muscular dystrophy type 2Q (LGMDR17). Also called: MUSCULAR DYSTROPHY, LIMB-GIRDLE, AUTOSOMAL RECESSIVE 17. Identifiers: Orphanet 254361, MedGen C3150989, MONDO:0013390, OMIM 613723.
Epidermolysis bullosa simplex 5C, with pyloric atresia (EBS5C). Also called: PLEC-Related Epidermolysis Bullosa with Pyloric Atresia; Epidermolysis bullosa simplex with pyloric atresia; PLEC1-Related Epidermolysis Bullosa with Pyloric Atresia. Identifiers: Orphanet 158684, MedGen C2677349, MONDO:0012807, OMIM 612138.
Inborn genetic diseases. Identifiers: MedGen C0950123, MeSH D030342.

Allele frequency attached by ClinVar (database versions not stated): gnomAD exomes below 0.00001; ExAC 0.00001; TOPMed 0.00001.
gnomAD v4.1: 2 of 1,610,550 alleles (0.00012%); highest among the groups gnomAD compares: East Asian, 0.0022%; no homozygotes.

Submissions (3):

Ambry Genetics
Classification: Uncertain significance for Inborn genetic diseases. Last evaluated: 2025-06-06. Review status: criteria provided, single submitter. Criteria: Ambry Variant Classification Scheme 2023. Collection method: clinical testing. Allele origin: germline.

Revvity Omics, Revvity
Classification: Uncertain significance. Last evaluated: 2020-10-29. Review status: criteria provided, single submitter. Criteria: ACMG Guidelines, 2015. Collection method: clinical testing. Allele origin: germline.

Labcorp Genetics (formerly Invitae), Labcorp
Classification: Uncertain significance for Autosomal recessive limb-girdle muscular dystrophy type 2Q; Epidermolysis bullosa simplex, Ogna type; Epidermolysis bullosa simplex with nail dystrophy; Epidermolysis bullosa simplex 5C, with pyloric atresia; Epidermolysis bullosa simplex 5B, with muscular dystrophy. Last evaluated: 2019-07-18. Review status: criteria provided, single submitter. Criteria: Invitae Variant Classification Sherloc (09022015). Collection method: clinical testing. Allele origin: germline.
Comment: This sequence change replaces cysteine with tyrosine at codon 620 of the PLEC protein (p.Cys620Tyr). The cysteine residue is moderately conserved and there is a large physicochemical difference between cysteine and tyrosine. This variant is present in population databases (rs782375393, ExAC 0.01%). This variant has not been reported in the literature in individuals with PLEC-related conditions. ClinVar contains an entry for this variant (Variation ID: 538936). Algorithms developed to predict the effect of missense changes on protein structure and function are either unavailable or do not agree on the potential impact of this missense change (SIFT: "Tolerated"; PolyPhen-2: "Not Available"; Align-GVGD: "Class C0"). In summary, the available evidence is currently insufficient to determine the role of this variant in disease. Therefore, it has been classified as a Variant of Uncertain Significance.

NM_201384.3(PLEC):c.1778G>A (p.Cys593Tyr)

Gene: PLEC (plectin; minus strand). Cytogenetic location: 8q24.3.
Variant type: single nucleotide variant.
Coding change: c.1778G>A on transcript NM_201384.3 (MANE Select); coding-DNA position 1778, G replaced by A.
Protein change: p.Cys593Tyr; replaces cysteine 593 with tyrosine.
Molecular consequence: missense variant.
Genome position (GRCh38, 1-based): chr8:143,932,672, C>T on the plus strand (G>A on the coding strand, the complement: PLEC is on the minus strand). VCF-style: chr8-143932672-C-T. GRCh37 (hg19) VCF-style: chr8-145006840-C-T.
Other names: c.1859G>A, p.Cys620Tyr (NM_000445.5); c.1736G>A, p.Cys579Tyr (NM_201378.4); c.1712G>A, p.Cys571Tyr (NM_201379.3); c.2189G>A, p.Cys730Tyr (NM_201380.4); c.1682G>A, p.Cys561Tyr (NM_201381.3); c.1778G>A, p.Cys593Tyr (NM_201382.4); c.1790G>A, p.Cys597Tyr (NM_201383.3); c.1859G>A (NM_000445.3); short protein forms C561Y, C579Y, C571Y, C593Y, C620Y, C597Y, C730Y.
Identifiers: ClinVar variation 538936 (VCV000538936.11), dbSNP rs782375393, ClinGen allele CA4927858.